The following is an entry in ClinVar:

ClinVar aggregate classification (germline): Uncertain significance. Review status: criteria provided, multiple submitters, no conflicts (2 of 4 stars). 2 submissions from 2 submitters: Uncertain significance (2). Last evaluated 2025-05-26.

Conditions:
Inborn genetic diseases. Identifiers: MedGen C0950123, MeSH D030342.

Allele frequency attached by ClinVar (database versions not stated): gnomAD 0.00001; gnomAD exomes 0.00001; TOPMed 0.00002; ExAC 0.00003.

Submissions (2):

Ambry Genetics
Classification: Uncertain significance for Inborn genetic diseases. Last evaluated: 2025-05-26. Review status: criteria provided, single submitter. Criteria: Ambry Variant Classification Scheme 2023. Collection method: clinical testing. Allele origin: germline.

Labcorp Genetics (formerly Invitae), Labcorp
Classification: Uncertain significance. Last evaluated: 2022-08-27. Review status: criteria provided, single submitter. Criteria: Invitae Variant Classification Sherloc (09022015). Collection method: clinical testing. Allele origin: germline.
Comment: In summary, the available evidence is currently insufficient to determine the role of this variant in disease. Therefore, it has been classified as a Variant of Uncertain Significance. Algorithms developed to predict the effect of missense changes on protein structure and function (SIFT, PolyPhen-2, Align-GVGD) all suggest that this variant is likely to be tolerated. This variant has not been reported in the literature in individuals affected with PACS2-related conditions. This variant is present in population databases (rs782162190, gnomAD 0.04%). This sequence change replaces methionine, which is neutral and non-polar, with threonine, which is neutral and polar, at codon 186 of the PACS2 protein (p.Met186Thr).

NM_001100913.3(PACS2):c.557T>C (p.Met186Thr)

Gene: PACS2 (phosphofurin acidic cluster sorting protein 2; plus strand). Cytogenetic location: 14q32.33.
Variant type: single nucleotide variant.
Coding change: c.557T>C on transcript NM_001100913.3 (MANE Select); coding-DNA position 557, T replaced by C.
Protein change: p.Met186Thr; replaces methionine 186 with threonine.
Molecular consequence: missense variant.
Genome position (GRCh38, 1-based): chr14:105,367,346, T>C. VCF-style: chr14-105367346-T-C. GRCh37 (hg19) VCF-style: chr14-105833683-T-C.
Other names: c.356T>C, p.Met119Thr (NM_001243127.3); c.557T>C, p.Met186Thr (NM_015197.4); c.557T>C (NM_001100913.2); short protein forms M119T, M186T.
Identifiers: ClinVar variation 1992178 (VCV001992178.5), dbSNP rs782162190, ClinGen allele CA7388414.